The following is an entry in ClinVar:

NM_025243.4(SLC19A3):c.103C>T (p.Leu35Phe)

Gene: SLC19A3 (solute carrier family 19 member 3; minus strand). Cytogenetic location: 2q36.3.
Variant type: single nucleotide variant.
Coding change: c.103C>T on transcript NM_025243.4 (MANE Select); coding-DNA position 103, C replaced by T.
Protein change: p.Leu35Phe; replaces leucine 35 with phenylalanine.
Molecular consequence: missense variant. On other transcripts: 5 prime UTR variant (2).
Genome position (GRCh38, 1-based): chr2:227,702,216, G>A on the plus strand (C>T on the coding strand, the complement: SLC19A3 is on the minus strand). VCF-style: chr2-227702216-G-A. GRCh37 (hg19) VCF-style: chr2-228566932-G-A.
Other names: c.103C>T, p.Leu35Phe (NM_001371411.1, NM_001371412.1); c.-106C>T (NM_001371413.1, NM_001371414.1); c.103C>T (NM_025243.3); short protein forms L35F.
Identifiers: ClinVar variation 2043303 (VCV002043303.3), dbSNP rs376764604, ClinGen allele CA2149409.

ClinVar aggregate classification (germline): Uncertain significance. Review status: criteria provided, multiple submitters, no conflicts (2 of 4 stars). 3 submissions from 3 submitters: Uncertain significance (3). Last evaluated 2023-11-14.

Conditions:
Biotin-responsive basal ganglia disease (BTBGD). Also called: Thiamine Transporter-2 Deficiency; thiamine-responsive encephalopathy; Thiamine metabolism dysfunction syndrome 2 (biotin- or thiamine-responsive encephalopathy type 2); Thiamine metabolism dysfunction syndrome type 2; THIAMINE METABOLISM DYSFUNCTION SYNDROME 2 (BIOTIN- AND THIAMINE-RESPONSIVE TYPE). Identifiers: Orphanet 199348, Orphanet 65284, MedGen C1843807, MONDO:0011841, OMIM 607483.

Allele frequency attached by ClinVar (database versions not stated): TOPMed below 0.00001; gnomAD 0.00001; ExAC 0.00006; ESP Exome Variant Server 0.00008.
gnomAD v4.1: 22 of 1,613,778 alleles (0.0014%); highest among the groups gnomAD compares: Non-Finnish European, 0.0018%; no homozygotes.

Submissions (3):

GeneDx
Classification: Uncertain significance. Last evaluated: 2023-11-14. Review status: criteria provided, single submitter. Criteria: GeneDx Variant Classification Process June 2021. Collection method: clinical testing. Allele origin: germline. Affected: yes.
Comment: Not observed at significant frequency in large population cohorts (gnomAD); In silico analysis supports that this missense variant has a deleterious effect on protein structure/function; Has not been previously published as pathogenic or benign to our knowledge

Labcorp Genetics (formerly Invitae), Labcorp
Classification: Uncertain significance for Biotin-responsive basal ganglia disease. Last evaluated: 2022-08-09. Review status: criteria provided, single submitter. Criteria: Invitae Variant Classification Sherloc (09022015). Collection method: clinical testing. Allele origin: germline.
Comment: This sequence change replaces leucine, which is neutral and non-polar, with phenylalanine, which is neutral and non-polar, at codon 35 of the SLC19A3 protein (p.Leu35Phe). This variant is present in population databases (rs376764604, gnomAD 0.007%). This variant has not been reported in the literature in individuals affected with SLC19A3-related conditions. Advanced modeling of protein sequence and biophysical properties (such as structural, functional, and spatial information, amino acid conservation, physicochemical variation, residue mobility, and thermodynamic stability) performed at Invitae indicates that this missense variant is not expected to disrupt SLC19A3 protein function. In summary, the available evidence is currently insufficient to determine the role of this variant in disease. Therefore, it has been classified as a Variant of Uncertain Significance.

Blueprint Genetics
Classification: Uncertain significance. Last evaluated: 2020-02-25. Review status: criteria provided, single submitter. Criteria: ACMG Guidelines, 2015. Collection method: clinical testing. Allele origin: germline.